The following is an entry in ClinVar:

ClinVar aggregate classification (germline): Uncertain significance (1 of 4 stars; one submission).

Conditions:
Cardiomyopathy (CMYO). Also called: Cardiomyopathies. Identifiers: Orphanet 167848, MedGen C0878544, MONDO:0004994, HP:0001638. Inheritance: Various modes of inheritance.

gnomAD v4.1: 1 of 1,612,722 alleles (0.000062%); highest among the groups gnomAD compares: East Asian, 0.0022%; no homozygotes.

Submission:

Color Diagnostics, LLC DBA Color Health
Classification: Uncertain significance for Cardiomyopathy. Last evaluated: 2023-11-08. Review status: criteria provided, single submitter. Criteria: ACMG Guidelines, 2015. Collection method: clinical testing. Allele origin: germline.
Comment: This variant causes a C to G nucleotide substitution at the -3 position of intron 9 of the TMEM43 gene. Splice site prediction tools predict that this variant may have a significant impact on RNA splicing. To our knowledge, RNA studies have not been reported for this variant. This variant has not been reported in individuals affected with TMEM43-related disorders in the literature. This variant has not been identified in the general population by the Genome Aggregation Database (gnomAD). The available evidence is insufficient to determine the role of this variant in disease conclusively. Therefore, this variant is classified as a Variant of Uncertain Significance.

NM_024334.3(TMEM43):c.781-3C>G

Gene: TMEM43 (transmembrane protein 43; plus strand). Cytogenetic location: 3p25.1.
Variant type: single nucleotide variant.
Coding change: c.781-3C>G on transcript NM_024334.3 (MANE Select); 3 bases into the intron before coding-DNA position 781, C replaced by G.
Molecular consequence: intron variant.
Genome position (GRCh38, 1-based): chr3:14,135,804, C>G. VCF-style: chr3-14135804-C-G. GRCh37 (hg19) VCF-style: chr3-14177304-C-G.
Other names: c.784-3C>G (NM_001407274.1); c.781-3C>G (NM_001407276.1); c.778-3C>G (NM_001407275.1, NM_001407277.1); c.706-3C>G (NM_001407279.1); c.766-3C>G (NM_001407278.1); c.631-3C>G (NM_001407280.1).
Identifiers: ClinVar variation 2774607 (VCV002774607.2), dbSNP rs780142044, ClinGen allele CA69732122.